The following is an entry in ClinVar:

ClinVar aggregate classification (germline): Uncertain significance. Review status: criteria provided, multiple submitters, no conflicts (2 of 4 stars). 2 submissions from 2 submitters: Uncertain significance (2). Last evaluated 2022-11-23.

Submissions (3):

GeneDx
Classification: Uncertain significance. Last evaluated: 2022-11-23. Review status: criteria provided, single submitter. Criteria: GeneDx Variant Classification Process June 2021. Collection method: clinical testing. Allele origin: germline. Affected: yes.
Comment: Published functional studies suggest no damaging effect: variant classified as functional based on a saturation genome editing (SGE) assay measuring cell survival (Findlay et al., 2018); Not observed at significant frequency in large population cohorts (gnomAD); In silico analysis supports that this missense variant does not alter protein structure/function; Also known as 5184A>C; This variant is associated with the following publications: (PMID: 25348405, 30209399)

Women's Health and Genetics/Laboratory Corporation of America, LabCorp
Classification: Uncertain significance. Last evaluated: 2016-03-28. Review status: criteria provided, single submitter. Criteria: LabCorp Variant Classification Summary - May 2015. Collection method: clinical testing. Allele origin: germline.
Comment: Variant summary: The BRCA1 c.5065A>C variant affects a conserved nucleotide, resulting in an amino acid change from Met to Leu. 2/4 in-silico tools predict this variant to be benign (SNPs&GO not captured due to low reliability index). This variant was not found in 121146 control chromosomes. The variant of interest has not, to our knowledge, been reported in affected individuals via publications and/or reputable databases/clinical laboratories; nor evaluated for functional impact by in vivo/vitro studies. Because of the absence of clinical information and the lack of functional studies, the variant was classified as a variant of uncertain significance (VUS) until additional information becomes available.

Brotman Baty Institute, University of Washington
No classification provided (evidence only). Condition: Breast-ovarian cancer, familial 1. Review status: no classification provided. Collection method: in vitro. Allele origin: not applicable. Functional consequence: functionally_normal. Not counted in ClinVar's aggregate classification.
ClinVar note: "not provided" was previously submitted as the classification for the variant. However, the classification appeared to be based only on an observation of functional data so it was converted to no classification on 2025-07-30.

NM_007294.4(BRCA1):c.5065A>C (p.Met1689Leu)

Gene: BRCA1 (BRCA1 DNA repair associated; minus strand). Cytogenetic location: 17q21.31.
Variant type: single nucleotide variant.
Coding change: c.5065A>C on transcript NM_007294.4 (MANE Select); coding-DNA position 5065, A replaced by C.
Protein change: p.Met1689Leu; replaces methionine 1689 with leucine.
Molecular consequence: missense variant. On other transcripts: non-coding transcript variant (1).
Genome position (GRCh38, 1-based): chr17:43,067,617, T>G on the plus strand (A>C on the coding strand, the complement: BRCA1 is on the minus strand). VCF-style: chr17-43067617-T-G. GRCh37 (hg19) VCF-style: chr17-41219634-T-G.
Other names: c.4852A>C, p.Met1618Leu (NM_001407571.1, NM_001407894.1, NM_001407895.1 and 12 more transcripts); c.5131A>C, p.Met1711Leu (NM_001407581.1, NM_001407582.1); c.5128A>C, p.Met1710Leu (NM_001407583.1, NM_001407585.1, NM_001407587.1 and 1 more transcripts); c.5125A>C, p.Met1709Leu (NM_001407590.1, NM_001407591.1); c.5065A>C, p.Met1689Leu (NM_001407593.1, NM_001407594.1, NM_001407596.1 and 8 more transcripts); c.5062A>C, p.Met1688Leu (NM_001407620.1, NM_001407621.1, NM_001407622.1 and 17 more transcripts); c.5059A>C, p.Met1687Leu (NM_001407627.1, NM_001407628.1, NM_001407639.1 and 14 more transcripts); c.5056A>C, p.Met1686Leu (NM_001407644.1, NM_001407645.1); and 70 more; short protein forms M1689L, M1642L, M585L, M1710L, M1560L, M1561L, M1578L, M1622L.
Identifiers: ClinVar variation 496390 (VCV000496390.5), dbSNP rs1555579619, ClinGen allele CA10591391.
Genomic context (GRCh38, chr17:43,067,617, plus strand): 5'-TGTGGTTTTATGCAGCAGATGCAAGGTATTCTGTAAAGGTTCTTGGTATACCTGTTTTCA[T>G]AACAACATGAGTAGTCTCTTCAGTAATTAGATTAGTTAAAGTGATGTGGTGTTTTCTGGC-3'
Protein context (NP_009225.1, residues 1679-1699): LITEETTHVV[Met1689Leu]KTDAEFVCER